The following is an entry in ClinVar:

NM_006206.6(PDGFRA):c.273G>A (p.Ser91=)

Gene: PDGFRA (platelet derived growth factor receptor alpha; plus strand). Cytogenetic location: 4q12.
Variant type: single nucleotide variant.
Coding change: c.273G>A on transcript NM_006206.6 (MANE Select); coding-DNA position 273, G replaced by A.
Protein change: p.Ser91=; no amino-acid change (serine 91 retained).
Molecular consequence: synonymous variant.
Genome position (GRCh38, 1-based): chr4:54,261,318, G>A. VCF-style: chr4-54261318-G-A. GRCh37 (hg19) VCF-style: chr4-55127485-G-A.
Other names: c.273G>A, p.Ser91= (NM_001347827.2, NM_001347829.2); c.348G>A, p.Ser116= (NM_001347828.2); c.312G>A, p.Ser104= (NM_001347830.2); c.273G>A (NM_006206.5).
Identifiers: ClinVar variation 240333 (VCV000240333.20), dbSNP rs112372833, ClinGen allele CA2922257.

ClinVar aggregate classification (germline): Benign/Likely benign. Review status: criteria provided, multiple submitters, no conflicts (2 of 4 stars). 5 submissions from 5 submitters: Benign (1); Likely benign (3). 1 of the submissions does not count toward it. Last evaluated 2026-06-16.

Conditions:
PDGFRA-related disorder. Also called: PDGFRA-related condition.
Hereditary cancer-predisposing syndrome. Also called: Neoplastic Syndromes, Hereditary; Hereditary neoplastic syndrome; Hereditary Cancer Syndrome; Tumor predisposition. Identifiers: Orphanet 140162, MedGen C0027672, MeSH D009386, MONDO:0015356.
Polyps, multiple and recurrent inflammatory fibroid, gastrointestinal. Identifiers: MedGen C5193005, MONDO:0008285, OMIM 175510.
Gastrointestinal stromal tumor. Also called: Gastrointestinal stromal tumor, somatic; Gastrointestinal stroma tumor. Identifiers: Orphanet 44890, MedGen C0238198, MeSH D046152, MONDO:0011719, OMIM 606764, HP:0100723.

Allele frequency attached by ClinVar (database versions not stated): ExAC 0.00002; gnomAD exomes 0.00004; TOPMed 0.00013.
gnomAD v4.1: 90 of 1,613,942 alleles (0.0056%); highest among the groups gnomAD compares: African/African-American, 0.039%; 1 homozygote.

Submissions (5):

Myriad Genetics, Inc.
Classification: Benign for Polyps, multiple and recurrent inflammatory fibroid, gastrointestinal. Last evaluated: 2026-06-16. Review status: criteria provided, single submitter. Criteria: Myriad Autosomal Dominant, Autosomal Recessive and X-Linked Classification Criteria (2023). Collection method: clinical testing. Allele origin: unknown.
Comment: This variant is considered benign. This variant is a silent/synonymous amino acid change and it is not expected to impact splicing.

Labcorp Genetics (formerly Invitae), Labcorp
Classification: Likely benign for Gastrointestinal stromal tumor. Last evaluated: 2026-01-19. Review status: criteria provided, single submitter. Criteria: Invitae Variant Classification Sherloc (09022015). Collection method: clinical testing. Allele origin: germline.

Sema4
Classification: Likely benign for Hereditary cancer-predisposing syndrome. Last evaluated: 2021-01-10. Review status: criteria provided, single submitter. Criteria: Sema4 Curation Guidelines. Collection method: curation. Allele origin: germline.

Ambry Genetics
Classification: Likely benign for Hereditary cancer-predisposing syndrome. Last evaluated: 2019-06-27. Review status: criteria provided, single submitter. Criteria: Ambry Variant Classification Scheme 2023. Collection method: clinical testing. Allele origin: germline.

PreventionGenetics, part of Exact Sciences
Classification: Likely benign for PDGFRA-related condition. Last evaluated: 2021-11-17. Review status: no assertion criteria provided. Collection method: clinical testing. Allele origin: germline. Not counted in ClinVar's aggregate classification.
Comment: This variant is classified as likely benign based on ACMG/AMP sequence variant interpretation guidelines (Richards et al. 2015 PMID: 25741868, with internal and published modifications).